The following is an entry in ClinVar:

ClinVar aggregate classification (germline): Uncertain significance (1 of 4 stars; one submission).

Conditions:
Hereditary cancer-predisposing syndrome. Also called: Neoplastic Syndromes, Hereditary; Tumor predisposition; Hereditary Cancer Syndrome; Hereditary neoplastic syndrome. Identifiers: Orphanet 140162, MedGen C0027672, MeSH D009386, MONDO:0015356.

Submission:

Ambry Genetics
Classification: Uncertain significance for Hereditary cancer-predisposing syndrome. Last evaluated: 2022-06-16. Review status: criteria provided, single submitter. Criteria: Ambry Variant Classification Scheme 2023. Collection method: clinical testing. Allele origin: germline.
Comment: The p.E271V variant (also known as c.812A>T), located in coding exon 4 of the MSH6 gene, results from an A to T substitution at nucleotide position 812. The glutamic acid at codon 271 is replaced by valine, an amino acid with dissimilar properties. This amino acid position is conserved. In addition, the in silico prediction for this alteration is inconclusive. Since supporting evidence is limited at this time, the clinical significance of this alteration remains unclear.

NM_000179.3(MSH6):c.812A>T (p.Glu271Val)

Gene: MSH6 (mutS homolog 6; plus strand). Cytogenetic location: 2p16.3.
Variant type: single nucleotide variant.
Coding change: c.812A>T on transcript NM_000179.3 (MANE Select); coding-DNA position 812, A replaced by T.
Protein change: p.Glu271Val; replaces glutamic acid 271 with valine.
Molecular consequence: missense variant. On other transcripts: 5 prime UTR variant (2).
Genome position (GRCh38, 1-based): chr2:47,798,795, A>T. VCF-style: chr2-47798795-A-T. GRCh37 (hg19) VCF-style: chr2-48025934-A-T.
Other names: c.515A>T, p.Glu172Val (NM_001406825.1, NM_001406827.1, NM_001406828.1 and 10 more transcripts); c.644A>T, p.Glu215Val (NM_001406826.1); c.-95A>T (NM_001406829.1, NM_001281493.2, NM_001281494.2 and 6 more transcripts); c.422A>T, p.Glu141Val (NM_001281492.2); c.908A>T, p.Glu303Val (NM_001406795.1, NM_001406802.1); c.812A>T, p.Glu271Val (NM_001406796.1, NM_001406798.1, NM_001406800.1 and 4 more transcripts); c.287A>T, p.Glu96Val (NM_001406799.1, NM_001406806.1, NM_001406807.1); c.734A>T, p.Glu245Val (NM_001406804.1); and 1 more; short protein forms E245V, E172V, E271V, E273V, E141V, E215V, E303V, E96V.
Identifiers: ClinVar variation 1762113 (VCV001762113.2), dbSNP rs2104299065, ClinGen allele CA346740386.
Genomic context (GRCh38, chr2:47,798,795, plus strand): 5'-TATCAGATTCTGAGAGTGACATTGGTGGCTCTGATGTGGAATTTAAGCCAGACACTAAGG[A>T]GGAAGGAAGCAGTGATGAAATAAGCAGTGGAGTGGGGGATAGTGAGAGTGAAGGCCTGAA-3'
Protein context (NP_000170.1, residues 261-281): SDVEFKPDTK[Glu271Val]EGSSDEISSG